The following is an entry in ClinVar:

NM_006929.5(SKIC2):c.1041C>T (p.Ala347=)

Genes: SKIC2 (SKI2 subunit of superkiller complex; plus strand), LOC126859653 (CDK7 strongly-dependent group 2 enhancer GRCh37_chr6:31929542-31930741; plus strand). Cytogenetic location: 6p21.33.
Variant type: single nucleotide variant.
Coding change: c.1041C>T on transcript NM_006929.5 (MANE Select); coding-DNA position 1041, C replaced by T.
Protein change: p.Ala347=; no amino-acid change (alanine 347 retained).
Molecular consequence: synonymous variant.
Genome position (GRCh38, 1-based): chr6:31,962,031, C>T. VCF-style: chr6-31962031-C-T. GRCh37 (hg19) VCF-style: chr6-31929808-C-T.
Other names: p.Ala347=.
Identifiers: ClinVar variation 356323 (VCV000356323.16), dbSNP rs35664695, ClinGen allele CA3729324.

ClinVar aggregate classification (germline): Benign. Review status: criteria provided, multiple submitters, no conflicts (2 of 4 stars). 4 submissions from 4 submitters: Benign (3). 1 of the submissions does not count toward it. Last evaluated 2026-02-03.

Conditions:
Trichohepatoenteric syndrome 2 (THES2). Identifiers: Orphanet 84064, MedGen C3281289, MONDO:0013818, OMIM 614602.
SKIC2-related disorder. Also called: SKIC2-related condition.

Allele frequency attached by ClinVar (database versions not stated): gnomAD 0.02347 and 0.02394; TOPMed 0.02368; ESP Exome Variant Server 0.02784; gnomAD exomes 0.02786 and 0.03651; ExAC 0.02866; 1000 Genomes Project 30x 0.03014; 1000 Genomes Project 0.03255.
gnomAD v4.1: 56,993 of 1,612,952 alleles (3.5%); highest among the groups gnomAD compares: South Asian, 5.2%; 1,236 homozygotes.

Submissions (4):

Labcorp Genetics (formerly Invitae), Labcorp
Classification: Benign. Last evaluated: 2026-02-03. Review status: criteria provided, single submitter. Criteria: Invitae Variant Classification Sherloc (09022015). Collection method: clinical testing. Allele origin: germline.

Mayo Clinic Laboratories, Mayo Clinic
Classification: Benign. Last evaluated: 2020-09-09. Review status: criteria provided, single submitter. Criteria: ACMG Guidelines, 2015. Collection method: clinical testing. Allele origin: germline. Observed: 39 variant alleles.

Illumina Laboratory Services, Illumina
Classification: Benign for Trichohepatoenteric syndrome 2. Last evaluated: 2018-01-12. Review status: criteria provided, single submitter. Criteria: ICSL Variant Classification Criteria 13 December 2019. Collection method: clinical testing. Allele origin: germline.
Comment: This variant was observed in the ICSL laboratory as part of a predisposition screen in an ostensibly healthy population. It had not been previously curated by ICSL or reported in the Human Gene Mutation Database (HGMD: prior to June 1st, 2018), and was therefore a candidate for classification through an automated scoring system. Utilizing variant allele frequency, disease prevalence and penetrance estimates, and inheritance mode, an automated score was calculated to assess if this variant is too frequent to cause the disease. Based on the score and internal cut-off values, a variant classified as benign is not then subjected to further curation. The score for this variant resulted in a classification of benign for this disease.

PreventionGenetics, part of Exact Sciences
Classification: Benign for SKIC2-related condition. Last evaluated: 2019-07-01. Review status: no assertion criteria provided. Collection method: clinical testing. Allele origin: germline. Not counted in ClinVar's aggregate classification.
Comment: This variant is classified as benign based on ACMG/AMP sequence variant interpretation guidelines (Richards et al. 2015 PMID: 25741868, with internal and published modifications).